The following is an entry in ClinVar:

NM_016507.4(CDK12):c.3824C>T (p.Pro1275Leu)

Gene: CDK12 (cyclin dependent kinase 12; plus strand). Cytogenetic location: 17q12.
Variant type: single nucleotide variant.
Coding change: c.3824C>T on transcript NM_016507.4 (MANE Select); coding-DNA position 3824, C replaced by T.
Protein change: p.Pro1275Leu; replaces proline 1275 with leucine.
Molecular consequence: missense variant.
Genome position (GRCh38, 1-based): chr17:39,530,667, C>T. VCF-style: chr17-39530667-C-T. GRCh37 (hg19) VCF-style: chr17-37686920-C-T.
Other names: NP_057591.2:p.Pro1275Leu; c.3797C>T, p.Pro1266Leu (NM_015083.4); c.3824C>T (NM_016507.3); short protein forms P1266L, P1275L.
Identifiers: ClinVar variation 133863 (VCV000133863.6), dbSNP rs34070318, ClinGen allele CA158013.

ClinVar aggregate classification (germline): Benign/Likely benign. Review status: criteria provided, multiple submitters, no conflicts (2 of 4 stars). 5 submissions from 5 submitters: Benign (1); Likely benign (2). 2 of the submissions do not count toward it. Last evaluated 2025-12-29.

Conditions:
CDK12-related disorder. Also called: CDK12-related condition.
Hereditary breast ovarian cancer syndrome. Also called: Hereditary breast and ovarian cancer; Breast and ovarian cancer; Hereditary breast and ovarian cancer syndrome (HBOC); Hereditary breast and/or ovarian cancer syndrome; Hereditary breast and ovarian cancer syndrome; BRCA1- and BRCA2-Associated Hereditary Breast and Ovarian Cancer. Identifiers: Orphanet 145, MedGen C0677776, MeSH D061325, MONDO:0003582. Disease mechanism: loss of function.

Allele frequency attached by ClinVar (database versions not stated): 1000 Genomes Project 0.00419; 1000 Genomes Project 30x 0.00468; TOPMed 0.00983; gnomAD 0.01087 and 0.01117; gnomAD exomes 0.01161 and 0.01580; ExAC 0.01195; ESP Exome Variant Server 0.01216.
gnomAD v4.1: 24,652 of 1,612,074 alleles (1.5%); highest among the groups gnomAD compares: Non-Finnish European, 1.8%; 267 homozygotes.

Submissions (5):

Center for Genomic Medicine, Rigshospitalet, Copenhagen University Hospital
Classification: Benign. Last evaluated: 2025-12-29. Review status: criteria provided, single submitter. Criteria: ACMG Guidelines, 2015. Collection method: clinical testing. Allele origin: germline.
Comment: Classification criteria: BA1

National Health Laboratory Service, Universitas Academic Hospital and University of the Free State
Classification: Likely benign for Hereditary breast ovarian cancer syndrome. Last evaluated: 2022-04-19. Review status: criteria provided, single submitter. Criteria: ACMG Guidelines, 2015. Collection method: clinical testing. Allele origin: germline. Affected: yes. Observed: 2 variant alleles.

Breakthrough Genomics
Classification: Likely benign. Review status: criteria provided, single submitter. Criteria: ACMG Guidelines, 2015. Collection method: not provided. Allele origin: germline. Inheritance: Unknown mechanism. Affected: yes.

PreventionGenetics, part of Exact Sciences
Classification: Benign for CDK12-related condition. Last evaluated: 2019-06-10. Review status: no assertion criteria provided. Collection method: clinical testing. Allele origin: germline. Not counted in ClinVar's aggregate classification.
Comment: This variant is classified as benign based on ACMG/AMP sequence variant interpretation guidelines (Richards et al. 2015 PMID: 25741868, with internal and published modifications).

ITMI
No classification provided. Condition: AllHighlyPenetrant. Last evaluated: 2013-09-19. Review status: no classification provided. Collection method: reference population. Allele origin: germline. Not counted in ClinVar's aggregate classification.
Comment: Please see associated publication for description of ethnicities

Literature cited by the submitters: PubMed 24728327 (cited by ITMI).